The following is an entry in ClinVar:

ClinVar aggregate classification (germline): Uncertain significance (1 of 4 stars; one submission).

Conditions:
Alstrom syndrome (ALMS). Identifiers: Orphanet 64, MedGen C0268425, MONDO:0008763, OMIM 203800.

Allele frequency attached by ClinVar (database versions not stated): gnomAD exomes below 0.00001 and 0.00001; ExAC 0.00002.
gnomAD v4.1: 4 of 1,614,156 alleles (0.00025%); highest among the groups gnomAD compares: Admixed American, 0.0033%; no homozygotes.

Submission:

Labcorp Genetics (formerly Invitae), Labcorp
Classification: Uncertain significance for Alstrom syndrome. Last evaluated: 2024-01-15. Review status: criteria provided, single submitter. Criteria: Invitae Variant Classification Sherloc (09022015). Collection method: clinical testing. Allele origin: germline.
Comment: This sequence change replaces threonine, which is neutral and polar, with serine, which is neutral and polar, at codon 4075 of the ALMS1 protein (p.Thr4075Ser). This variant is present in population databases (rs762223937, gnomAD 0.006%). This variant has not been reported in the literature in individuals affected with ALMS1-related conditions. ClinVar contains an entry for this variant (Variation ID: 1481663). Experimental studies and prediction algorithms are not available or were not evaluated, and the functional significance of this variant is currently unknown. In summary, the available evidence is currently insufficient to determine the role of this variant in disease. Therefore, it has been classified as a Variant of Uncertain Significance.

NM_001378454.1(ALMS1):c.12221C>G (p.Thr4074Ser)

Genes: ALMS1 (ALMS1 centrosome and basal body associated protein; plus strand), LOC126806252 (BRD4-independent group 4 enhancer GRCh37_chr2:73828496-73829695; plus strand). Cytogenetic location: 2p13.1.
Variant type: single nucleotide variant.
Coding change: c.12221C>G on transcript NM_001378454.1 (MANE Select); coding-DNA position 12221, C replaced by G.
Protein change: p.Thr4074Ser; replaces threonine 4074 with serine.
Molecular consequence: missense variant.
Genome position (GRCh38, 1-based): chr2:73,602,291, C>G. VCF-style: chr2-73602291-C-G. GRCh37 (hg19) VCF-style: chr2-73829418-C-G.
Other names: c.12224C>G, p.Thr4075Ser (NM_015120.4); short protein forms T4074S, T4075S.
Identifiers: ClinVar variation 1481663 (VCV001481663.4), dbSNP rs762223937, ClinGen allele CA1715482.